The following is an entry in ClinVar:

ClinVar aggregate classification (germline): Uncertain significance (1 of 4 stars; one submission).

Conditions:
Epilepsy, progressive myoclonic, 1B. Also called: PME. Identifiers: Orphanet 308, MedGen C2676254, MONDO:0012904, OMIM 612437.

Submission:

Labcorp Genetics (formerly Invitae), Labcorp
Classification: Uncertain significance for Epilepsy, progressive myoclonic, 1B. Last evaluated: 2021-12-08. Review status: criteria provided, single submitter. Criteria: Invitae Variant Classification Sherloc (09022015). Collection method: clinical testing. Allele origin: germline.
Comment: Algorithms developed to predict the effect of missense changes on protein structure and function are either unavailable or do not agree on the potential impact of this missense change (SIFT: "Deleterious"; PolyPhen-2: "Possibly Damaging"; Align-GVGD: "Class C0"). In summary, the available evidence is currently insufficient to determine the role of this variant in disease. Therefore, it has been classified as a Variant of Uncertain Significance. This variant is not present in population databases (gnomAD no frequency). This variant has not been reported in the literature in individuals affected with PRICKLE1-related conditions. This sequence change replaces glutamic acid, which is acidic and polar, with lysine, which is basic and polar, at codon 407 of the PRICKLE1 protein (p.Glu407Lys).

NM_153026.3(PRICKLE1):c.1219G>A (p.Glu407Lys)

Genes: PRICKLE1 (prickle planar cell polarity protein 1; minus strand), LOC126861509 (BRD4-independent group 4 enhancer GRCh37_chr12:42858567-42859766; plus strand). Cytogenetic location: 12q12.
Variant type: single nucleotide variant.
Coding change: c.1219G>A on transcript NM_153026.3 (MANE Select); coding-DNA position 1219, G replaced by A.
Protein change: p.Glu407Lys; replaces glutamic acid 407 with lysine.
Molecular consequence: missense variant.
Genome position (GRCh38, 1-based): chr12:42,464,815, C>T on the plus strand (G>A on the coding strand, the complement: PRICKLE1 is on the minus strand). VCF-style: chr12-42464815-C-T. GRCh37 (hg19) VCF-style: chr12-42858617-C-T.
Other names: c.1219G>A, p.Glu407Lys (NM_001144881.2, NM_001144882.2, NM_001144883.2); short protein forms E407K.
Identifiers: ClinVar variation 1407056 (VCV001407056.6), dbSNP rs2140101302, ClinGen allele CA384442199.